The following is an entry in ClinVar:

NM_003239.5(TGFB3):c.621del (p.Val208fs)

Gene: TGFB3 (transforming growth factor beta 3; minus strand). Cytogenetic location: 14q24.3.
Variant type: Deletion.
Coding change: c.621del on transcript NM_003239.5 (MANE Select); coding-DNA position 621, one base deleted (T; older notation c.621delT).
Protein change: p.Val208fs; shifts the reading frame from valine 208.
Molecular consequence: frameshift variant.
Genome position (GRCh38, 1-based): chr14:75,971,151, A deleted on the plus strand (T on the coding strand, the reverse complement: TGFB3 is on the minus strand). VCF-style (leftmost placement, unchanged base first): chr14-75971150-CA-C. GRCh37 (hg19) VCF-style: chr14-76437493-CA-C.
Other names: c.621del, p.Val208fs (NM_001329938.2, NM_001329939.2); short protein forms V208fs.
Identifiers: ClinVar variation 1215028 (VCV001215028.9), dbSNP rs2140245186, ClinGen allele CA2499222737.

ClinVar aggregate classification (germline): Pathogenic. Review status: criteria provided, multiple submitters, no conflicts (2 of 4 stars). 2 submissions from 2 submitters: Pathogenic (2). Last evaluated 2021-08-07.

Conditions:
Rienhoff syndrome. Also called: LOEYS-DIETZ SYNDROME 5. Identifiers: MedGen C3810012, MONDO:0014262, OMIM 615582.

Submissions (2):

Labcorp Genetics (formerly Invitae), Labcorp
Classification: Pathogenic for Rienhoff syndrome. Last evaluated: 2021-08-07. Review status: criteria provided, single submitter. Criteria: Invitae Variant Classification Sherloc (09022015). Collection method: clinical testing. Allele origin: germline.
Comment: Algorithms developed to predict the effect of sequence changes on RNA splicing suggest that this variant may create or strengthen a splice site. For these reasons, this variant has been classified as Pathogenic. This variant has not been reported in the literature in individuals affected with TGFB3-related conditions. This sequence change creates a premature translational stop signal (p.Val208Cysfs*6) in the TGFB3 gene. It is expected to result in an absent or disrupted protein product. Loss-of-function variants in TGFB3 are known to be pathogenic (PMID: 25835445, 26188975). This variant is not present in population databases (ExAC no frequency).

GeneDx
Classification: Pathogenic. Last evaluated: 2021-06-07. Review status: criteria provided, single submitter. Criteria: GeneDx Variant Classification Process June 2021. Collection method: clinical testing. Allele origin: germline. Affected: yes.
Comment: Has not been previously published as pathogenic or benign to our knowledge; Frameshift variant predicted to result in protein truncation or nonsense mediated decay in a gene for which loss-of-function is a known mechanism of disease; Not observed at significant frequency in large population cohorts (Lek et al., 2016); This variant is associated with the following publications: (PMID: 27535533)

Literature cited by the submitters: PubMed 25835445 (cited by Labcorp Genetics (formerly Invitae), Labcorp); PubMed 26188975 (cited by Labcorp Genetics (formerly Invitae), Labcorp).